The following is an entry in ClinVar:

ClinVar aggregate classification (germline): Pathogenic/Likely pathogenic. Review status: criteria provided, multiple submitters, no conflicts (2 of 4 stars). 9 submissions from 9 submitters: Pathogenic (3); Likely pathogenic (6). Last evaluated 2026-05-18.

Conditions:
Autosomal recessive nonsyndromic hearing loss 18B. Also called: Deafness, autosomal recessive 18b. Identifiers: Orphanet 90636, MedGen C3554163, MONDO:0013985, OMIM 614945.
OTOG-related disorder. Also called: OTOG-related condition.
Rare genetic deafness. Identifiers: Orphanet 96210, MedGen C5680250.

Allele frequency attached by ClinVar (database versions not stated): TOPMed 0.00002; gnomAD exomes 0.00003; gnomAD 0.00004 and 0.00005.
gnomAD v4.1: 60 of 1,550,714 alleles (0.0039%); highest among the groups gnomAD compares: Middle Eastern, 0.017%; no homozygotes.

Submissions (9):

MVZ Martinsried, Medicover Genetics
Classification: Pathogenic for Autosomal recessive nonsyndromic hearing loss 18B. Last evaluated: 2026-05-18. Review status: criteria provided, single submitter. Criteria: ClinGen Variant Curation SOP V3.2 + Classification Guidance July2025. Collection method: clinical testing. Allele origin: inherited. Affected: yes. Observed: 1 compound heterozygote.
Comment: Confirmed in trans with variant NM_001277269.2(OTOG):c.6748G>A.

PreventionGenetics, part of Exact Sciences
Classification: Likely pathogenic for OTOG-related condition. Last evaluated: 2025-09-18. Review status: criteria provided, single submitter. Criteria: ACMG Guidelines, 2015. Collection method: clinical testing. Allele origin: germline.
Comment: The OTOG c.3493C>T variant is predicted to result in premature protein termination (p.Arg1165*). To our knowledge, this variant has not been reported in the literature. This variant is reported in 0.0084% of alleles in individuals of European (Non-Finnish) descent in gnomAD. Nonsense variants in OTOG are expected to be pathogenic. This variant is interpreted as likely pathogenic.

Dasa
Classification: Likely pathogenic. Last evaluated: 2025-06-09. Review status: criteria provided, single submitter. Criteria: DASA Assertion Criteria. Collection method: clinical testing. Allele origin: germline.
Comment: NM_001292063.2(OTOG):c.3457C>T (p.Arg1153*) is a nonsense variant in OTOG predicted to introduce a premature termination codon and is predicted to result in an absent or altered protein product. Loss of function is an established disease mechanism for OTOG-associated disorders. Also, this variant is rare in population databases. Based on the currently available evidence, this variant is classified as likely pathogenic.

Human Genetics Bochum, Ruhr University Bochum
Classification: Likely pathogenic for Autosomal recessive nonsyndromic hearing loss 18B. Last evaluated: 2025-03-10. Review status: criteria provided, single submitter. Criteria: ACMG Guidelines, 2015. Collection method: clinical testing. Allele origin: germline. Affected: yes.
Comment: ACMG criteria used to clasify this variant: PVS1_STR, PM2_SUP, PP3

Labcorp Genetics (formerly Invitae), Labcorp
Classification: Pathogenic. Last evaluated: 2024-10-28. Review status: criteria provided, single submitter. Criteria: Invitae Variant Classification Sherloc (09022015). Collection method: clinical testing. Allele origin: germline.
Comment: This sequence change creates a premature translational stop signal (p.Arg1165*) in the OTOG gene. It is expected to result in an absent or disrupted protein product. Loss-of-function variants in OTOG are known to be pathogenic (PMID: 23122587). This variant is present in population databases (rs772430523, gnomAD 0.006%). This variant has not been reported in the literature in individuals affected with OTOG-related conditions. ClinVar contains an entry for this variant (Variation ID: 505150). Algorithms developed to predict the effect of sequence changes on RNA splicing suggest that this variant may disrupt the consensus splice site. For these reasons, this variant has been classified as Pathogenic.

Blueprint Genetics
Classification: Pathogenic for OTOG-related disorders. Last evaluated: 2024-04-04. Review status: criteria provided, single submitter. Criteria: ACMG Guidelines, 2015. Collection method: clinical testing. Allele origin: germline. Affected: yes. Observed: 5 variant alleles.

Fulgent Genetics
Classification: Likely pathogenic for Autosomal recessive nonsyndromic hearing loss 18B. Last evaluated: 2021-07-14. Review status: criteria provided, single submitter. Criteria: ACMG Guidelines, 2015. Collection method: clinical testing. Allele origin: unknown.

Laboratory for Molecular Medicine, Mass General Brigham Personalized Medicine
Classification: Likely pathogenic for Rare genetic deafness. Last evaluated: 2016-06-27. Review status: criteria provided, single submitter. Criteria: LMM Criteria. Collection method: clinical testing. Allele origin: germline. Inheritance: Autosomal recessive inheritance. Observed: 3 variant alleles.
Comment: The p.Arg1165X variant in OTOG has not been reported in individuals with hearing loss. Data from large population studies are insufficient to assess the frequen cy of this variant. This nonsense variant introduces a premature termination cod on at position 1165, which is predicted to lead to a truncated or absent protein . Two loss of function variants in the OTOG gene have been reported to segregate with hearing loss in two families (Schraders 2012), and disruption of OTOG in m ice resulted in deafness supporting a loss-of-function mechanism for the disease (Simmler 2000). In summary, although additional evidence is required to strengt hen the association between OTOG and hearing loss, available data support that t he p.Arg1165X variant is likely pathogenic.

Juno Genomics, Hangzhou Juno Genomics, Inc
Classification: Likely pathogenic for Autosomal recessive nonsyndromic hearing loss 18B. Review status: criteria provided, single submitter. Criteria: ACMG Guidelines, 2015. Collection method: clinical testing. Allele origin: germline.
Comment: Null variant in a gene where loss of function (LOF) is a known mechanism of disease.;Absent from controls (or at extremely low frequency if recessive) in Genome Aggregation Database.

Literature cited by the submitters: PubMed 23122587 (cited by Labcorp Genetics (formerly Invitae), Labcorp).

NM_001292063.2(OTOG):c.3457C>T (p.Arg1153Ter)

Gene: OTOG (otogelin; plus strand). Cytogenetic location: 11p15.1.
Variant type: single nucleotide variant.
Coding change: c.3457C>T on transcript NM_001292063.2 (MANE Select); coding-DNA position 3457, C replaced by T.
Protein change: p.Arg1153Ter; replaces arginine 1153 with a stop codon.
Molecular consequence: nonsense.
Genome position (GRCh38, 1-based): chr11:17,596,086, C>T. VCF-style: chr11-17596086-C-T. GRCh37 (hg19) VCF-style: chr11-17617633-C-T.
Other names: c.3493C>T, p.Arg1165Ter (NM_001277269.2); short protein forms R1165*, R1153*.
Identifiers: ClinVar variation 505150 (VCV000505150.18), dbSNP rs772430523, ClinGen allele CA218461639.